The following is an entry in ClinVar:

ClinVar aggregate classification (germline): Uncertain significance (1 of 4 stars; one submission).

Allele frequency attached by ClinVar (database versions not stated): 1000 Genomes Project 30x 0.00016; 1000 Genomes Project 0.00020.

Submission:

Labcorp Genetics (formerly Invitae), Labcorp
Classification: Uncertain significance. Last evaluated: 2022-05-18. Review status: criteria provided, single submitter. Criteria: Invitae Variant Classification Sherloc (09022015). Collection method: clinical testing. Allele origin: germline.
Comment: This sequence change replaces isoleucine, which is neutral and non-polar, with serine, which is neutral and polar, at codon 613 of the GRM1 protein (p.Ile613Ser). This variant is not present in population databases (gnomAD no frequency). This variant has not been reported in the literature in individuals affected with GRM1-related conditions. Algorithms developed to predict the effect of missense changes on protein structure and function (SIFT, PolyPhen-2, Align-GVGD) all suggest that this variant is likely to be disruptive. In summary, the available evidence is currently insufficient to determine the role of this variant in disease. Therefore, it has been classified as a Variant of Uncertain Significance.

NM_001278064.2(GRM1):c.1838T>G (p.Ile613Ser)

Gene: GRM1 (glutamate metabotropic receptor 1; plus strand). Cytogenetic location: 6q24.3.
Variant type: single nucleotide variant.
Coding change: c.1838T>G on transcript NM_001278064.2 (MANE Select); coding-DNA position 1838, T replaced by G.
Protein change: p.Ile613Ser; replaces isoleucine 613 with serine.
Molecular consequence: missense variant.
Genome position (GRCh38, 1-based): chr6:146,398,877, T>G. VCF-style: chr6-146398877-T-G. GRCh37 (hg19) VCF-style: chr6-146720013-T-G.
Other names: c.1838T>G, p.Ile613Ser (NM_001278065.2, NM_001278066.1, NM_001278067.1); short protein forms I613S.
Identifiers: ClinVar variation 2046324 (VCV002046324.4), dbSNP rs200257835, ClinGen allele CA149288145.